The following is an entry in ClinVar:

ClinVar aggregate classification (germline): Uncertain significance (1 of 4 stars; one submission).

gnomAD v4.1: 1 of 1,613,346 alleles (0.000062%); highest among the groups gnomAD compares: Non-Finnish European, 0.000085%; no homozygotes.

Submission:

Labcorp Genetics (formerly Invitae), Labcorp
Classification: Uncertain significance. Last evaluated: 2024-04-16. Review status: criteria provided, single submitter. Criteria: Invitae Variant Classification Sherloc (09022015). Collection method: clinical testing. Allele origin: germline.
Comment: This sequence change replaces arginine, which is basic and polar, with glutamine, which is neutral and polar, at codon 213 of the ZBTB20 protein (p.Arg213Gln). This variant is not present in population databases (gnomAD no frequency). This variant has not been reported in the literature in individuals affected with ZBTB20-related conditions. Advanced modeling of protein sequence and biophysical properties (such as structural, functional, and spatial information, amino acid conservation, physicochemical variation, residue mobility, and thermodynamic stability) performed at Invitae indicates that this missense variant is not expected to disrupt ZBTB20 protein function with a negative predictive value of 95%. In summary, the available evidence is currently insufficient to determine the role of this variant in disease. Therefore, it has been classified as a Variant of Uncertain Significance.

NM_001348800.3(ZBTB20):c.638G>A (p.Arg213Gln)

Gene: ZBTB20 (zinc finger and BTB domain containing 20; minus strand). Cytogenetic location: 3q13.31.
Variant type: single nucleotide variant.
Coding change: c.638G>A on transcript NM_001348800.3 (MANE Select); coding-DNA position 638, G replaced by A.
Protein change: p.Arg213Gln; replaces arginine 213 with glutamine.
Molecular consequence: missense variant.
Genome position (GRCh38, 1-based): chr3:114,351,440, C>T on the plus strand (G>A on the coding strand, the complement: ZBTB20 is on the minus strand). VCF-style: chr3-114351440-C-T. GRCh37 (hg19) VCF-style: chr3-114070287-C-T.
Other names: c.638G>A, p.Arg213Gln (NM_001164342.2, NM_001348803.3, NM_001393393.1 and 1 more transcripts); c.419G>A, p.Arg140Gln (NM_001164343.2, NM_001164344.4, NM_001164345.4 and 9 more transcripts); short protein forms R140Q, R213Q.
Identifiers: ClinVar variation 3617443 (VCV003617443.2).